The following is an entry in ClinVar:

NM_000169.3(GLA):c.157A>G (p.Asn53Asp)

Genes: GLA (galactosidase alpha; minus strand), RPL36A-HNRNPH2 (RPL36A-HNRNPH2 readthrough; plus strand). Cytogenetic location: Xq22.1.
Variant type: single nucleotide variant.
Coding change: c.157A>G on transcript NM_000169.3 (MANE Select); coding-DNA position 157, A replaced by G.
Protein change: p.Asn53Asp; replaces asparagine 53 with aspartic acid.
Molecular consequence: missense variant. On other transcripts: non-coding transcript variant (3), intron variant (2).
Genome position (GRCh38, 1-based): chrX:101,407,747, T>C on the plus strand (A>G on the coding strand, the complement: GLA is on the minus strand). VCF-style: chrX-101407747-T-C. GRCh37 (hg19) VCF-style: chrX-100662735-T-C.
Other names: c.157A>G, p.Asn53Asp (NM_001406747.1, NM_001406748.1, NM_001406749.1); c.301-4189T>C (NM_001199973.2); c.178-4189T>C (NM_001199974.2); short protein forms N53D.
Identifiers: ClinVar variation 4087284 (VCV004087284.2).

ClinVar aggregate classification (germline): Uncertain significance (1 of 4 stars; one submission).

Conditions:
Fabry disease. Also called: ALPHA-GALACTOSIDASE A DEFICIENCY; ANDERSON-FABRY DISEASE; CERAMIDE TRIHEXOSIDASE DEFICIENCY; GLA DEFICIENCY; HEREDITARY DYSTOPIC LIPIDOSIS; Angiokeratoma corporis diffusum. Identifiers: Orphanet 324, MedGen C0002986, MONDO:0010526, OMIM 301500, HP:0001071. Disease mechanism: Fabry disease is due to inactivating mutations in the X-linked GLA gene resulting in deficiency of the enzyme Alpha Galactosidase-A., loss of function.

Submission:

Genomenon, Inc
Classification: Uncertain significance for Fabry disease. Last evaluated: 2026-09-08. Review status: criteria provided, single submitter. Criteria: Genomenon Sequence Variant Interpretation Standards - Updated. Collection method: curation. Allele origin: germline. Affected: yes.
Comment: GLA p.Asn53Asp (c.157A>G) is a missense variant that changes the amino acid at codon 53 from Asparagine to Aspartic acid. This variant has been observed in at least one proband with clinical features consistent with Fabry disease (PMID:28615118). Functional or patient cell studies have been reported (PMID:28615118;27657681;22063097). It is absent or not present at a significant frequency in gnomAD. In conclusion, we classify GLA p.Asn53Asp (c.157A>G) as a variant of uncertain significance.

Literature cited by the submitters: PubMed 28615118; PubMed 27657681; PubMed 22063097.